The following is an entry in ClinVar:

ClinVar aggregate classification (germline): Likely benign (1 of 4 stars; one submission).

gnomAD v4.1: 1 of 1,607,994 alleles (0.000062%); highest among the groups gnomAD compares: Non-Finnish European, 0.000085%; no homozygotes.

Submission:

CeGaT Center for Human Genetics Tuebingen
Classification: Likely benign. Last evaluated: 2026-09-01. Review status: criteria provided, single submitter. Criteria: CeGaT Center For Human Genetics Tuebingen Variant Classification Criteria Version 2. Collection method: clinical testing. Allele origin: germline. Affected: yes. Observed: 1 variant allele.
Comment: UGP2: BP4, BP7

NM_006759.4(UGP2):c.456C>T (p.Thr152=)

Gene: UGP2 (UDP-glucose pyrophosphorylase 2; plus strand). Cytogenetic location: 2p15.
Variant type: single nucleotide variant.
Coding change: c.456C>T on transcript NM_006759.4 (MANE Select); coding-DNA position 456, C replaced by T.
Protein change: p.Thr152=; no amino-acid change (threonine 152 retained).
Molecular consequence: synonymous variant.
Genome position (GRCh38, 1-based): chr2:63,883,974, C>T. VCF-style: chr2-63883974-C-T. GRCh37 (hg19) VCF-style: chr2-64111108-C-T.
Other names: c.423C>T, p.Thr141= (NM_001001521.2, NM_001377524.1, NM_001377525.1); c.96C>T, p.Thr32= (NM_001377526.1, NM_001377527.1, NM_001377528.1 and 1 more transcripts).
Identifiers: ClinVar variation 5041200 (VCV005041200.1).
Genomic context (GRCh38, chr2:63,883,974, plus strand): 5'-AAAGAAAAGTGAGTCTGGGTAATCTAATTGTCATTTTCCTCCCTAGCATTTGAATAAAAC[C>T]TACAATACAGATGTTCCTCTTGTTTTAATGAACTCTTTTAACACGGATGAAGATACCAAA-3'
Protein context (NP_006750.3, residues 142-162): TVQQIEHLNK[Thr152=]YNTDVPLVLM